The following is an entry in ClinVar:

NM_000388.4(CASR):c.1871T>C (p.Ile624Thr)

Gene: CASR (calcium sensing receptor; plus strand). Cytogenetic location: 3q21.1.
Variant type: single nucleotide variant.
Coding change: c.1871T>C on transcript NM_000388.4 (MANE Select); coding-DNA position 1871, T replaced by C.
Protein change: p.Ile624Thr; replaces isoleucine 624 with threonine.
Molecular consequence: missense variant.
Genome position (GRCh38, 1-based): chr3:122,283,825, T>C. VCF-style: chr3-122283825-T-C. GRCh37 (hg19) VCF-style: chr3-122002672-T-C.
Other names: c.1901T>C, p.Ile634Thr (NM_001178065.2); short protein forms I624T, I634T.
Identifiers: ClinVar variation 3231518 (VCV003231518.1), dbSNP rs2473276659, ClinGen allele CA354157766.

ClinVar aggregate classification (germline): Uncertain significance (1 of 4 stars; one submission).

Conditions:
Nephrolithiasis/nephrocalcinosis. Identifiers: MedGen CN580796.

Submission:

Ambry Genetics
Classification: Uncertain significance for Nephrolithiasis/nephrocalcinosis. Last evaluated: 2023-05-30. Review status: criteria provided, single submitter. Criteria: Ambry Variant Classification Scheme 2023. Collection method: clinical testing. Allele origin: germline.
Comment: The p.I624T variant (also known as c.1871T>C), located in coding exon 6 of the CASR gene, results from a T to C substitution at nucleotide position 1871. The isoleucine at codon 624 is replaced by threonine, an amino acid with similar properties. This amino acid position is conserved. In addition, the in silico prediction for this alteration is inconclusive. Since supporting evidence is limited at this time, the clinical significance of this alteration remains unclear.